The following is an entry in ClinVar:

NM_004218.4(RAB11B):c.520C>T (p.Arg174Cys)

Gene: RAB11B (RAB11B, member RAS oncogene family; plus strand). Cytogenetic location: 19p13.2.
Variant type: single nucleotide variant.
Coding change: c.520C>T on transcript NM_004218.4 (MANE Select); coding-DNA position 520, C replaced by T.
Protein change: p.Arg174Cys; replaces arginine 174 with cysteine.
Molecular consequence: missense variant.
Genome position (GRCh38, 1-based): chr19:8,403,421, C>T. VCF-style: chr19-8403421-C-T. GRCh37 (hg19) VCF-style: chr19-8468305-C-T.
Other names: short protein forms R174C.
Identifiers: ClinVar variation 3008679 (VCV003008679.3), dbSNP rs764840955, ClinGen allele CA9156415.
Genomic context (GRCh38, chr19:8,403,421, plus strand): 5'-CAGGCAGGGCACGTGCTGGCTCACCCCACGTCCCCCTGTACCCCCTTTGCAGAGATCTAC[C>T]GCATCGTGTCACAGAAACAGATCGCAGACCGCGCTGCCCACGACGAGTCCCCGGGGAACA-3'
Protein context (NP_004209.2, residues 164-184): AFKNILTEIY[Arg174Cys]IVSQKQIADR

ClinVar aggregate classification (germline): Uncertain significance (1 of 4 stars; one submission).

Allele frequency attached by ClinVar (database versions not stated): gnomAD exomes below 0.00001; ExAC 0.00001.
gnomAD v4.1: 4 of 1,613,352 alleles (0.00025%); highest among the groups gnomAD compares: South Asian, 0.0011%; no homozygotes.

Submission:

Labcorp Genetics (formerly Invitae), Labcorp
Classification: Uncertain significance. Last evaluated: 2023-07-19. Review status: criteria provided, single submitter. Criteria: Invitae Variant Classification Sherloc (09022015). Collection method: clinical testing. Allele origin: germline.
Comment: The frequency data for this variant in the population databases is considered unreliable, as metrics indicate poor data quality at this position in the gnomAD database. In summary, the available evidence is currently insufficient to determine the role of this variant in disease. Therefore, it has been classified as a Variant of Uncertain Significance. An algorithm developed to predict the effect of missense changes on protein structure and function (PolyPhen-2) suggests that this variant is likely to be disruptive. This variant has not been reported in the literature in individuals affected with RAB11B-related conditions. This sequence change replaces arginine, which is basic and polar, with cysteine, which is neutral and slightly polar, at codon 174 of the RAB11B protein (p.Arg174Cys).